The following is an entry in ClinVar:

NC_000006.12:g.(?_79513202)_(79518904_?)del

Gene: LCA5 (lebercilin LCA5; minus strand). Cytogenetic location: 6q14.1.
Variant type: Deletion.
Identifiers: ClinVar variation 832789 (VCV000832789.5).

ClinVar aggregate classification (germline): Pathogenic (1 of 4 stars; one submission).

Submission:

Labcorp Genetics (formerly Invitae), Labcorp
Classification: Pathogenic. Last evaluated: 2021-11-11. Review status: criteria provided, single submitter. Criteria: Invitae Variant Classification Sherloc (09022015). Collection method: clinical testing. Allele origin: germline.
Comment: This variant has not been reported in the literature in individuals affected with LCA5-related conditions. For these reasons, this variant has been classified as Pathogenic. This variant is a gross deletion of the genomic region encompassing exon(s) 3-4 of the LCA5 gene, which includes the initiator codon. This deletion extends beyond the assayed region for this gene and therefore may encompass additional genes. It is expected to result in an absent or disrupted protein product. Loss-of-function variants in LCA5 are known to be pathogenic (PMID: 17546029, 23946133).

Literature cited by the submitters: PubMed 17546029; PubMed 23946133.